The following is an entry in ClinVar:

ClinVar aggregate classification (germline): Uncertain significance. Review status: criteria provided, multiple submitters, no conflicts (2 of 4 stars). 2 submissions from 2 submitters: Uncertain significance (2). Last evaluated 2022-09-13.

Conditions:
RASopathy. Also called: Noonan spectrum disorder; rasopathies. Identifiers: Orphanet 536391, MedGen C5555857, MONDO:0021060.

Submissions (2):

GeneDx
Classification: Uncertain significance. Last evaluated: 2022-09-13. Review status: criteria provided, single submitter. Criteria: GeneDx Variant Classification Process June 2021. Collection method: clinical testing. Allele origin: germline. Affected: yes.
Comment: Not observed at significant frequency in large population cohorts (gnomAD); Missense variants in this gene are often considered pathogenic (HGMD); In silico analysis supports that this missense variant does not alter protein structure/function; Has not been previously published as pathogenic or benign to our knowledge; This variant is associated with the following publications: (PMID: 29493581)

Labcorp Genetics (formerly Invitae), Labcorp
Classification: Uncertain significance for RASopathy. Last evaluated: 2022-07-15. Review status: criteria provided, single submitter. Criteria: Invitae Variant Classification Sherloc (09022015). Collection method: clinical testing. Allele origin: germline.
Comment: In summary, the available evidence is currently insufficient to determine the role of this variant in disease. Therefore, it has been classified as a Variant of Uncertain Significance. Advanced modeling of protein sequence and biophysical properties (such as structural, functional, and spatial information, amino acid conservation, physicochemical variation, residue mobility, and thermodynamic stability) performed at Invitae indicates that this missense variant is expected to disrupt PTPN11 protein function. This variant has not been reported in the literature in individuals affected with PTPN11-related conditions. This variant is not present in population databases (gnomAD no frequency). This sequence change replaces glutamic acid, which is acidic and polar, with lysine, which is basic and polar, at codon 400 of the PTPN11 protein (p.Glu400Lys).

NM_002834.5(PTPN11):c.1198G>A (p.Glu400Lys)

Gene: PTPN11 (protein tyrosine phosphatase non-receptor type 11; plus strand). Cytogenetic location: 12q24.13.
Variant type: single nucleotide variant.
Coding change: c.1198G>A on transcript NM_002834.5 (MANE Select); coding-DNA position 1198, G replaced by A.
Protein change: p.Glu400Lys; replaces glutamic acid 400 with lysine.
Molecular consequence: missense variant.
Genome position (GRCh38, 1-based): chr12:112,482,179, G>A. VCF-style: chr12-112482179-G-A. GRCh37 (hg19) VCF-style: chr12-112919983-G-A.
Other names: c.1198G>A, p.Glu400Lys (NM_001330437.2, NM_080601.3); c.1195G>A, p.Glu399Lys (NM_001374625.1); short protein forms E399K, E400K.
Identifiers: ClinVar variation 2042470 (VCV002042470.5), dbSNP rs2038607191, ClinGen allele CA386776037.
Genomic context (GRCh38, chr12:112,482,179, plus strand): 5'-TATGGCGTCATGCGTGTTAGGAACGTCAAAGAAAGCGCCGCTCATGACTATACGCTAAGA[G>A]AACTTAAACTTTCAAAGGTTGGACAAGTAAGTATATTGTCGTATTCTAGAGACTTTGGGA-3'
Protein context (NP_002825.3, residues 390-410): ESAAHDYTLR[Glu400Lys]LKLSKVGQGN